The following is an entry in ClinVar:

ClinVar aggregate classification (germline): Benign (3 of 4 stars; one submission).

Conditions:
Breast-ovarian cancer, familial, susceptibility to, 1 (BROVCA1). Also called: BRCA1 Hereditary Breast and Ovarian Cancer; OVARIAN CANCER, SUSCEPTIBILITY TO. Identifiers: Orphanet 145, MedGen C2676676, MONDO:0011450, OMIM 604370. Disease mechanism: loss of function.

Allele frequency attached by ClinVar (database versions not stated): 1000 Genomes Project 0.07867; 1000 Genomes Project 30x 0.08276; TOPMed 0.14326; gnomAD 0.14736 and 0.15081.
gnomAD v4.1: 21,106 of 142,862 alleles (15%); highest among the groups gnomAD compares: Admixed American, 24%; 2,226 homozygotes.

Submission:

Evidence-based Network for the Interpretation of Germline Mutant Alleles (ENIGMA)
Classification: Benign for Breast-ovarian cancer, familial 1. Last evaluated: 2015-01-12. Review status: reviewed by expert panel. Criteria: ENIGMA BRCA1/2 Classification Criteria (2015). Collection method: curation. Allele origin: germline.
Comment: Class 1 not pathogenic based on frequency >1% in an outbred sampleset. Frequency 0.02033 (African), 0.1702 (European), derived from 1000 genomes (2012-04-30).

NM_007294.4(BRCA1):c.5278-1722C>T

Gene: BRCA1 (BRCA1 DNA repair associated; minus strand). Cytogenetic location: 17q21.31.
Variant type: single nucleotide variant.
Coding change: c.5278-1722C>T on transcript NM_007294.4 (MANE Select); 1722 bases into the intron before coding-DNA position 5278, C replaced by T.
Molecular consequence: intron variant.
Genome position (GRCh38, 1-based): chr17:43,052,839, G>A on the plus strand (C>T on the coding strand, the complement: BRCA1 is on the minus strand). VCF-style: chr17-43052839-G-A. GRCh37 (hg19) VCF-style: chr17-41204856-G-A.
Other names: IVS 20-1722C>T; c.1825-1722C>T (NM_001408458.1, NM_001408461.1, NM_001408464.1 and 7 more transcripts); c.4387-1722C>T (NM_001407967.1); c.4897-1722C>T (NM_001407959.1); c.5011-1722C>T (NM_001407931.1, NM_001407932.1, NM_001407928.1 and 4 more transcripts); c.5134-1722C>T (NM_001407747.1, NM_001407745.1, NM_001407737.1 and 21 more transcripts); c.4894-1722C>T (NM_001407962.1, NM_001407960.1); c.1465-1722C>T (NM_001408512.1); and 75 more.
Identifiers: ClinVar variation 209270 (VCV000209270.2), dbSNP rs17671533, ClinGen allele CA276242.